The following is an entry in ClinVar:

ClinVar aggregate classification (germline): Benign/Likely benign. Review status: criteria provided, multiple submitters, no conflicts (2 of 4 stars). 5 submissions from 5 submitters: Benign (1); Likely benign (4). Last evaluated 2026-01-07.

Conditions:
Tuberous sclerosis 1 (TSC1). Identifiers: Orphanet 805, MedGen C1854465, MONDO:0008612, OMIM 191100.
Tuberous sclerosis syndrome (TSC). Also called: Tuberous Sclerosis Complex; Tuberous sclerosis. Identifiers: Orphanet 805, MedGen C0041341, MONDO:0001734.
Hereditary cancer-predisposing syndrome. Also called: Neoplastic Syndromes, Hereditary; Hereditary neoplastic syndrome; Tumor predisposition; Hereditary Cancer Syndrome. Identifiers: Orphanet 140162, MedGen C0027672, MeSH D009386, MONDO:0015356.

Allele frequency attached by ClinVar (database versions not stated): gnomAD exomes below 0.00001.
gnomAD v4.1: 4 of 1,614,216 alleles (0.00025%); highest among the groups gnomAD compares: East Asian, 0.0022%; no homozygotes.

Submissions (5):

Labcorp Genetics (formerly Invitae), Labcorp
Classification: Likely benign for Tuberous sclerosis 1. Last evaluated: 2026-01-07. Review status: criteria provided, single submitter. Criteria: Invitae Variant Classification Sherloc (09022015). Collection method: clinical testing. Allele origin: germline.

Myriad Genetics, Inc.
Classification: Benign for Tuberous sclerosis 1. Last evaluated: 2025-04-29. Review status: criteria provided, single submitter. Criteria: Myriad Autosomal Dominant, Autosomal Recessive and X-Linked Classification Criteria (2023). Collection method: clinical testing. Allele origin: unknown.
Comment: This variant is considered benign. This variant is a silent/synonymous amino acid change and it is not expected to impact splicing.

All of Us Research Program, National Institutes of Health
Classification: Likely benign for Tuberous sclerosis syndrome. Last evaluated: 2023-05-04. Review status: criteria provided, single submitter. Criteria: ACMG Guidelines, 2015. Collection method: clinical testing. Allele origin: germline. Inheritance: Autosomal dominant inheritance. Observed: 1 variant allele, 1 heterozygote.
Comment: This study involves interpretation of variants in research participants for the purpose of population health screening. Participant phenotype was not available at the time of variant classification. Additional details can be found in publication PMID: 35346344, PMCID: PMC8962531

Genome-Nilou Lab
Classification: Likely benign for Tuberous sclerosis 1. Last evaluated: 2021-11-07. Review status: criteria provided, single submitter. Criteria: ACMG Guidelines, 2015. Collection method: clinical testing. Allele origin: germline. Affected: no.

Ambry Genetics
Classification: Likely benign for Hereditary cancer-predisposing syndrome. Last evaluated: 2019-07-01. Review status: criteria provided, single submitter. Criteria: Ambry Variant Classification Scheme 2023. Collection method: clinical testing. Allele origin: germline.

NM_000368.5(TSC1):c.2904G>A (p.Arg968=)

Gene: TSC1 (TSC complex subunit 1; minus strand). Cytogenetic location: 9q34.13.
Variant type: single nucleotide variant.
Coding change: c.2904G>A on transcript NM_000368.5 (MANE Select); coding-DNA position 2904, G replaced by A.
Protein change: p.Arg968=; no amino-acid change (arginine 968 retained).
Molecular consequence: synonymous variant.
Genome position (GRCh38, 1-based): chr9:132,897,255, C>T on the plus strand (G>A on the coding strand, the complement: TSC1 is on the minus strand). VCF-style: chr9-132897255-C-T. GRCh37 (hg19) VCF-style: chr9-135772642-C-T.
Other names: c.2901G>A, p.Arg967= (NM_001162426.2); c.2751G>A, p.Arg917= (NM_001162427.2); c.2541G>A, p.Arg847= (NM_001362177.2).
Identifiers: ClinVar variation 534459 (VCV000534459.20), dbSNP rs1554813280, ClinGen allele CA467594422.